The following is an entry in ClinVar:

ClinVar aggregate classification (germline): Uncertain significance (1 of 4 stars; one submission).

Conditions:
Focal segmental glomerulosclerosis 5 (FSGS5). Identifiers: Orphanet 656, MedGen C2750475, MONDO:0013191, OMIM 613237.
Charcot-Marie-Tooth disease dominant intermediate E. Also called: CHARCOT-MARIE-TOOTH NEUROPATHY WITH FOCAL SEGMENTAL GLOMERULONEPHRITIS. Identifiers: Orphanet 93114, MedGen C4302667, MONDO:0013758, OMIM 614455.

Allele frequency attached by ClinVar (database versions not stated): TOPMed below 0.00001.

Submission:

Labcorp Genetics (formerly Invitae), Labcorp
Classification: Uncertain significance for Charcot-Marie-Tooth disease dominant intermediate E; Focal segmental glomerulosclerosis 5. Last evaluated: 2024-05-14. Review status: criteria provided, single submitter. Criteria: Invitae Variant Classification Sherloc (09022015). Collection method: clinical testing. Allele origin: germline.
Comment: This sequence change replaces valine, which is neutral and non-polar, with methionine, which is neutral and non-polar, at codon 143 of the INF2 protein (p.Val143Met). This variant is not present in population databases (gnomAD no frequency). This variant has not been reported in the literature in individuals affected with INF2-related conditions. ClinVar contains an entry for this variant (Variation ID: 642262). Advanced modeling of protein sequence and biophysical properties (such as structural, functional, and spatial information, amino acid conservation, physicochemical variation, residue mobility, and thermodynamic stability) has been performed at Invitae for this missense variant, however the output from this modeling did not meet the statistical confidence thresholds required to predict the impact of this variant on INF2 protein function. In summary, the available evidence is currently insufficient to determine the role of this variant in disease. Therefore, it has been classified as a Variant of Uncertain Significance.

NM_022489.4(INF2):c.427G>A (p.Val143Met)

Gene: INF2 (inverted formin 2; plus strand). Cytogenetic location: 14q32.33.
Variant type: single nucleotide variant.
Coding change: c.427G>A on transcript NM_022489.4 (MANE Select); coding-DNA position 427, G replaced by A.
Protein change: p.Val143Met; replaces valine 143 with methionine.
Molecular consequence: missense variant.
Genome position (GRCh38, 1-based): chr14:104,703,140, G>A. VCF-style: chr14-104703140-G-A. GRCh37 (hg19) VCF-style: chr14-105169477-G-A.
Other names: c.427G>A, p.Val143Met (NM_001031714.4, NM_032714.3); short protein forms V143M.
Identifiers: ClinVar variation 642262 (VCV000642262.8), dbSNP rs1237835000, ClinGen allele CA391212763.
Genomic context (GRCh38, chr14:104,703,140, plus strand): 5'-GAGCCTGCCCACTCCACCCTGGCAGCCCTGGACACATCCAACGTGATGGTGAAGAAGCAG[G>A]TGTTTGAGCTACTGGCTGCCCTGTGCATCTACTCTCCCGAGGGCCACGTGCTGACCCTGG-3'
Protein context (NP_071934.3, residues 133-153): DTSNVMVKKQ[Val143Met]FELLAALCIY